The following is an entry in ClinVar:

ClinVar aggregate classification (germline): Conflicting classifications of pathogenicity. Review status: criteria provided, conflicting classifications (1 of 4 stars). 14 submissions from 12 submitters: Likely pathogenic (1); Uncertain significance (10); Likely benign (2). 1 of the submissions does not count toward it. Last evaluated 2026-08-03.

Conditions:
Pyropoikilocytosis, hereditary. Also called: Pyropoikilocytosis. Identifiers: MedGen C0520739, MONDO:0009948, OMIM 266140, HP:0004839. Disease mechanism: loss of function.
Elliptocytosis 2 (EL2). Also called: ELLIPTOCYTOSIS, RHESUS-UNLINKED TYPE. Identifiers: Orphanet 288, MedGen C1851741, MONDO:0007533, OMIM 130600.
SPTA1-related disorder. Also called: SPTA1-related condition; SPTA1-related disorders.
Hereditary spherocytosis type 3. Also called: Spherocytosis type 3; SPTA1-Related Spherocytosis. Identifiers: Orphanet 822, MedGen C2678338, MONDO:0010053, OMIM 270970.

Allele frequency attached by ClinVar (database versions not stated): 1000 Genomes Project 30x 0.00141; 1000 Genomes Project 0.00160; TOPMed 0.00267; ESP Exome Variant Server 0.00268.
gnomAD v4.1: 4,354 of 1,613,944 alleles (0.27%); highest among the groups gnomAD compares: African/African-American, 0.37%; 8 homozygotes.

Submissions (14):

PreventionGenetics, part of Exact Sciences
Classification: Uncertain significance for SPTA1-related condition. Last evaluated: 2026-08-03. Review status: criteria provided, single submitter. Criteria: ACMG Guidelines, 2015. Collection method: clinical testing. Allele origin: germline.
Comment: The SPTA1 c.6421C>T variant is predicted to result in the amino acid substitution p.Arg2141Trp. This variant has been reported in individuals with hereditary pyropoikilocytosis (Niss et al. 2016. PubMed ID: 27667160) and hereditary spherocytosis (Christensen et al. 2018. PubMed ID: 28090778; Mansour-Hendili et al. 2020. PubMed ID: 32641076). This variant is reported in 0.21% of alleles in gnomAD, including two homozygotes. Although we suspect that this variant may be benign, the clinical significance of this variant is uncertain due to the absence of conclusive functional and genetic evidence.

CeGaT Center for Human Genetics Tuebingen
Classification: Likely benign. Last evaluated: 2026-07-01. Review status: criteria provided, single submitter. Criteria: CeGaT Center For Human Genetics Tuebingen Variant Classification Criteria Version 2. Collection method: clinical testing. Allele origin: germline. Affected: yes. Observed: 8 variant alleles.
Comment: SPTA1: BS2

Labcorp Genetics (formerly Invitae), Labcorp
Classification: Uncertain significance. Last evaluated: 2025-12-25. Review status: criteria provided, single submitter. Criteria: Invitae Variant Classification Sherloc (09022015). Collection method: clinical testing. Allele origin: germline.
Comment: This sequence change replaces arginine, which is basic and polar, with tryptophan, which is neutral and slightly polar, at codon 2141 of the SPTA1 protein (p.Arg2141Trp). This variant is present in population databases (rs41273519, gnomAD 0.3%), and has an allele count higher than expected for a pathogenic variant. This missense change has been observed in individual(s) with pyropoikilocytosis and/or spherocytosis (PMID: 27667160, 28090778, 32641076). ClinVar contains an entry for this variant (Variation ID: 544821). Invitae Evidence Modeling of protein sequence and biophysical properties (such as structural, functional, and spatial information, amino acid conservation, physicochemical variation, residue mobility, and thermodynamic stability) has been performed for this missense variant. However, the output from this modeling did not meet the statistical confidence thresholds required to predict the impact of this variant on SPTA1 protein function. Algorithms developed to predict the effect of sequence changes on RNA splicing suggest that this variant may disrupt the consensus splice site. In summary, the available evidence is currently insufficient to determine the role of this variant in disease. Therefore, it has been classified as a Variant of Uncertain Significance.

ARUP Laboratories, Molecular Genetics and Genomics, ARUP Laboratories
Classification: Likely benign. Last evaluated: 2025-07-25. Review status: criteria provided, single submitter. Criteria: ARUP Molecular Germline Variant Investigation Process 2024. Collection method: clinical testing. Allele origin: germline.

Mayo Clinic Laboratories, Mayo Clinic
Classification: Uncertain significance. Last evaluated: 2025-03-25. Review status: criteria provided, single submitter. Criteria: ACMG Guidelines, 2015. Collection method: clinical testing. Allele origin: germline. Observed: 7 variant alleles.

Blueprint Genetics
Classification: Likely pathogenic for SPTA1-related disorders. Last evaluated: 2024-11-26. Review status: criteria provided, single submitter. Criteria: ACMG Guidelines, 2015. Collection method: clinical testing. Allele origin: germline. Affected: yes. Observed: 5 variant alleles.

Revvity Omics, Revvity
Classification: Uncertain significance. Last evaluated: 2024-11-25. Review status: criteria provided, single submitter. Criteria: ACMG Guidelines, 2015. Collection method: clinical testing. Allele origin: germline.

Mendelics
Classification: Uncertain significance for Elliptocytosis 2. Last evaluated: 2023-01-31. Review status: criteria provided, single submitter. Criteria: Mendelics Assertion Criteria 2019. Collection method: clinical testing. Allele origin: germline.

Department of Pathology and Laboratory Medicine, Sinai Health System
Classification: Uncertain significance for Elliptocytosis 2; Pyropoikilocytosis, hereditary; Hereditary spherocytosis type 3. Last evaluated: 2023-01-10. Review status: criteria provided, single submitter. Criteria: ACMG Guidelines, 2015. Collection method: research. Allele origin: germline.

CENTOGENE GmbH and LLC - Guiding Precision Medicine
Classification: Uncertain significance for Elliptocytosis 2. Last evaluated: 2020-05-04. Review status: criteria provided, single submitter. Criteria: ACMG Guidelines, 2015. Collection method: clinical testing. Allele origin: germline.

Illumina Laboratory Services, Illumina
Classification: Uncertain significance for Pyropoikilocytosis, hereditary. Last evaluated: 2017-04-27. Review status: criteria provided, single submitter. Criteria: ICSL Variant Classification Criteria 13 December 2019. Collection method: clinical testing. Allele origin: germline.
Comment: This variant was observed as part of a predisposition screen in an ostensibly healthy population. A literature search was performed for the gene, cDNA change, and amino acid change (where applicable). Publications were found based on this search. However, the evidence from the literature, in combination with allele frequency data from public databases where available, was not sufficient to rule this variant in or out of causing disease. Therefore, this variant is classified as a variant of unknown significance.

Illumina Laboratory Services, Illumina
Classification: Uncertain significance for Hereditary spherocytosis type 3. Last evaluated: 2017-04-27. Review status: criteria provided, single submitter. Criteria: ICSL Variant Classification Criteria 13 December 2019. Collection method: clinical testing. Allele origin: germline.

Illumina Laboratory Services, Illumina
Classification: Uncertain significance for Elliptocytosis 2. Last evaluated: 2017-04-27. Review status: criteria provided, single submitter. Criteria: ICSL Variant Classification Criteria 13 December 2019. Collection method: clinical testing. Allele origin: germline.
Comment: the same text as in the submission from Illumina Laboratory Services, Illumina above.

Department of Genetic, Henri Mondor Hospital, Assistance Publique des Hôpitaux de Paris
Classification: Likely pathogenic for Hereditary spherocytosis type 3. Last evaluated: 2018-02-27. Review status: flagged submission. Criteria: ACMG Guidelines, 2015. Collection method: clinical testing. Allele origin: germline. Affected: yes. Not counted in ClinVar's aggregate classification.
ClinVar note: Reason: Outlier claim with insufficient supporting evidence

Literature cited by the submitters: PubMed 27667160 (cited by 4 submitters); PubMed 28090778 (cited by Labcorp Genetics (formerly Invitae), Labcorp and Mayo Clinic Laboratories, Mayo Clinic); PubMed 32641076 (cited by Labcorp Genetics (formerly Invitae), Labcorp and Mayo Clinic Laboratories, Mayo Clinic); PubMed 36979763 (cited by Mayo Clinic Laboratories, Mayo Clinic); PubMed 7819065 (cited by Mayo Clinic Laboratories, Mayo Clinic).

NM_003126.4(SPTA1):c.6421C>T (p.Arg2141Trp)

Gene: SPTA1 (spectrin alpha, erythrocytic 1; minus strand). Cytogenetic location: 1q23.1.
Variant type: single nucleotide variant.
Coding change: c.6421C>T on transcript NM_003126.4 (MANE Select); coding-DNA position 6421, C replaced by T.
Protein change: p.Arg2141Trp; replaces arginine 2141 with tryptophan.
Molecular consequence: missense variant.
Genome position (GRCh38, 1-based): chr1:158,619,331, G>A on the plus strand (C>T on the coding strand, the complement: SPTA1 is on the minus strand). VCF-style: chr1-158619331-G-A. GRCh37 (hg19) VCF-style: chr1-158589121-G-A.
Other names: c.6421C>T (LRG_1131t1); short protein forms R2141W.
Identifiers: ClinVar variation 544821 (VCV000544821.78), dbSNP rs41273519, ClinGen allele CA1181985.
Genomic context (GRCh38, chr1:158,619,331, plus strand): 5'-CCTGACACATCTCAAAGTTCTTGACCTGTCTTGCCTCTTCCTTTTGCAGCTCCTGCTCCC[G>A]TTCCTAAAACCCCAAATCACAGACAACGTGACTGACATCGAAGGCCTTTCTTTGCCATAA-3'
Protein context (NP_003117.2, residues 2131-2151): WKHLSDIIEE[Arg2141Trp]EQELQKEEAR